The following is an entry in ClinVar:

ClinVar aggregate classification (germline): Uncertain significance (1 of 4 stars; one submission).

Conditions:
Baller-Gerold syndrome (BGS). Also called: CRANIOSYNOSTOSIS WITH RADIAL DEFECTS. Identifiers: Orphanet 1225, MedGen C0265308, MONDO:0009039, OMIM 218600.

Submission:

Labcorp Genetics (formerly Invitae), Labcorp
Classification: Uncertain significance for Baller-Gerold syndrome. Last evaluated: 2023-08-07. Review status: criteria provided, single submitter. Criteria: Invitae Variant Classification Sherloc (09022015). Collection method: clinical testing. Allele origin: germline.
Comment: This variant has not been reported in the literature in individuals affected with RECQL4-related conditions. This sequence change replaces histidine, which is basic and polar, with arginine, which is basic and polar, at codon 833 of the RECQL4 protein (p.His833Arg). This variant is not present in population databases (gnomAD no frequency). ClinVar contains an entry for this variant (Variation ID: 2101684). Advanced modeling of protein sequence and biophysical properties (such as structural, functional, and spatial information, amino acid conservation, physicochemical variation, residue mobility, and thermodynamic stability) performed at Invitae indicates that this missense variant is expected to disrupt RECQL4 protein function. In summary, the available evidence is currently insufficient to determine the role of this variant in disease. Therefore, it has been classified as a Variant of Uncertain Significance.

NM_004260.4(RECQL4):c.2498A>G (p.His833Arg)

Gene: RECQL4 (RecQ like helicase 4; minus strand). Cytogenetic location: 8q24.3.
Variant type: single nucleotide variant.
Coding change: c.2498A>G on transcript NM_004260.4 (MANE Select); coding-DNA position 2498, A replaced by G.
Protein change: p.His833Arg; replaces histidine 833 with arginine.
Molecular consequence: missense variant.
Genome position (GRCh38, 1-based): chr8:144,513,104, T>C on the plus strand (A>G on the coding strand, the complement: RECQL4 is on the minus strand). VCF-style: chr8-144513104-T-C. GRCh37 (hg19) VCF-style: chr8-145738487-T-C.
Other names: c.2204A>G, p.His735Arg (NM_001413017.1); c.2300A>G, p.His767Arg (NM_001413018.1); c.2498A>G, p.His833Arg (NM_001413019.1, NM_001413036.1); c.2402A>G, p.His801Arg (NM_001413020.1); c.1427A>G, p.His476Arg (NM_001413021.1, NM_001413022.1, NM_001413023.1 and 5 more transcripts); c.2369A>G, p.His790Arg (NM_001413025.1); c.1295A>G, p.His432Arg (NM_001413037.1); c.1229A>G, p.His410Arg (NM_001413038.1, NM_001413031.1); and 6 more; short protein forms H410R, H432R, H476R, H716R, H801R, H823R, H344R, H466R.
Identifiers: ClinVar variation 2101684 (VCV002101684.4), dbSNP rs1827563748, ClinGen allele CA372677397.